The following is an entry in ClinVar:

NM_021814.5(ELOVL5):c.602A>G (p.Tyr201Cys)

Gene: ELOVL5 (ELOVL fatty acid elongase 5; minus strand). Cytogenetic location: 6p12.1.
Variant type: single nucleotide variant.
Coding change: c.602A>G on transcript NM_021814.5 (MANE Select); coding-DNA position 602, A replaced by G.
Protein change: p.Tyr201Cys; replaces tyrosine 201 with cysteine.
Molecular consequence: missense variant. On other transcripts: intron variant (1).
Genome position (GRCh38, 1-based): chr6:53,273,239, T>C on the plus strand (A>G on the coding strand, the complement: ELOVL5 is on the minus strand). VCF-style: chr6-53273239-T-C. GRCh37 (hg19) VCF-style: chr6-53138037-T-C.
Other names: c.683A>G, p.Tyr228Cys (NM_001242828.2); c.602A>G, p.Tyr201Cys (NM_001301856.2); c.496+1851A>G (NM_001242830.2); short protein forms Y201C, Y228C.
Identifiers: ClinVar variation 2104396 (VCV002104396.4), dbSNP rs1293879702, ClinGen allele CA364476168.

ClinVar aggregate classification (germline): Uncertain significance (1 of 4 stars; one submission).

Allele frequency attached by ClinVar (database versions not stated): gnomAD exomes below 0.00001.

Submission:

Labcorp Genetics (formerly Invitae), Labcorp
Classification: Uncertain significance. Last evaluated: 2022-06-24. Review status: criteria provided, single submitter. Criteria: Invitae Variant Classification Sherloc (09022015). Collection method: clinical testing. Allele origin: germline.
Comment: This sequence change replaces tyrosine, which is neutral and polar, with cysteine, which is neutral and slightly polar, at codon 201 of the ELOVL5 protein (p.Tyr201Cys). This variant is present in population databases (no rsID available, gnomAD 0.003%). This variant has not been reported in the literature in individuals affected with ELOVL5-related conditions. Algorithms developed to predict the effect of missense changes on protein structure and function are either unavailable or do not agree on the potential impact of this missense change (SIFT: "Tolerated"; PolyPhen-2: "Probably Damaging"; Align-GVGD: "Class C0"). In summary, the available evidence is currently insufficient to determine the role of this variant in disease. Therefore, it has been classified as a Variant of Uncertain Significance.